The following is an entry in ClinVar:

ClinVar aggregate classification (germline): Benign/Likely benign. Review status: criteria provided, multiple submitters, no conflicts (2 of 4 stars). 6 submissions from 6 submitters: Benign (1); Likely benign (3). 2 of the submissions do not count toward it. Last evaluated 2026-02-04.

Conditions:
REST-related disorder. Also called: REST-related condition.

Allele frequency attached by ClinVar (database versions not stated): 1000 Genomes Project 0.00639; 1000 Genomes Project 30x 0.00687; gnomAD 0.01339 and 0.01389; TOPMed 0.01395; ExAC 0.01420; gnomAD exomes 0.01430 and 0.01878; ESP Exome Variant Server 0.01545.
gnomAD v4.1: 29,437 of 1,614,236 alleles (1.8%); highest among the groups gnomAD compares: Non-Finnish European, 2.2%; 308 homozygotes.

Submissions (6):

Labcorp Genetics (formerly Invitae), Labcorp
Classification: Benign. Last evaluated: 2026-02-04. Review status: criteria provided, single submitter. Criteria: Invitae Variant Classification Sherloc (09022015). Collection method: clinical testing. Allele origin: germline.

Mayo Clinic Laboratories, Mayo Clinic
Classification: Likely benign. Last evaluated: 2025-10-16. Review status: criteria provided, single submitter. Criteria: ACMG Guidelines, 2015. Collection method: clinical testing. Allele origin: germline. Observed: 7 variant alleles.
Comment: BS1, BP4

GeneDx
Classification: Likely benign. Last evaluated: 2025-07-03. Review status: criteria provided, single submitter. Criteria: GeneDx Variant Classification Process June 2021. Collection method: clinical testing. Allele origin: germline. Affected: yes.
Comment: See Variant Classification Assertion Criteria.

Breakthrough Genomics
Classification: Likely benign. Review status: criteria provided, single submitter. Criteria: ACMG Guidelines, 2015. Collection method: not provided. Allele origin: germline. Inheritance: Autosomal dominant inheritance. Affected: yes.

PreventionGenetics, part of Exact Sciences
Classification: Benign for REST-related condition. Last evaluated: 2019-06-19. Review status: no assertion criteria provided. Collection method: clinical testing. Allele origin: germline. Not counted in ClinVar's aggregate classification.
Comment: This variant is classified as benign based on ACMG/AMP sequence variant interpretation guidelines (Richards et al. 2015 PMID: 25741868, with internal and published modifications).

Department of Pathology and Laboratory Medicine, Sinai Health System
Classification: Uncertain significance. Review status: no assertion criteria provided. Collection method: clinical testing. Allele origin: unknown. Affected: yes. Study: The Canadian Open Genetics Repository (COGR). Not counted in ClinVar's aggregate classification.

NM_005612.5(REST):c.2443C>T (p.Pro815Ser)

Gene: REST (RE1 silencing transcription factor; plus strand). Cytogenetic location: 4q12.
Variant type: single nucleotide variant.
Coding change: c.2443C>T on transcript NM_005612.5 (MANE Select); coding-DNA position 2443, C replaced by T.
Protein change: p.Pro815Ser; replaces proline 815 with serine.
Molecular consequence: missense variant.
Genome position (GRCh38, 1-based): chr4:56,931,301, C>T. VCF-style: chr4-56931301-C-T. GRCh37 (hg19) VCF-style: chr4-57797467-C-T.
Other names: p.Pro815Ser; c.2443C>T, p.Pro815Ser (NM_001193508.2, NM_001363453.3); short protein forms P815S.
Identifiers: ClinVar variation 1050137 (VCV001050137.18), dbSNP rs114282228, ClinGen allele CA2932488.